The following is an entry in ClinVar:

NM_001040108.2(MLH3):c.305A>G (p.Asp102Gly)

Gene: MLH3 (mutL homolog 3; minus strand). Cytogenetic location: 14q24.3.
Variant type: single nucleotide variant.
Coding change: c.305A>G on transcript NM_001040108.2 (MANE Select); coding-DNA position 305, A replaced by G.
Protein change: p.Asp102Gly; replaces aspartic acid 102 with glycine.
Molecular consequence: missense variant.
Genome position (GRCh38, 1-based): chr14:75,049,351, T>C on the plus strand (A>G on the coding strand, the complement: MLH3 is on the minus strand). VCF-style: chr14-75049351-T-C. GRCh37 (hg19) VCF-style: chr14-75516054-T-C.
Other names: c.305A>G, p.Asp102Gly (NM_014381.3); short protein forms D102G.
Identifiers: ClinVar variation 1799330 (VCV001799330.10), dbSNP rs375609512, ClinGen allele CA7276055.

ClinVar aggregate classification (germline): Uncertain significance. Review status: criteria provided, multiple submitters, no conflicts (2 of 4 stars). 3 submissions from 3 submitters: Uncertain significance (3). Last evaluated 2025-11-03.

Conditions:
Colorectal cancer, hereditary nonpolyposis, type 7. Identifiers: Orphanet 144, MedGen C1858380, MONDO:0013725, OMIM 614385.

Allele frequency attached by ClinVar (database versions not stated): TOPMed below 0.00001; gnomAD 0.00001; gnomAD exomes 0.00001; ExAC 0.00002; ESP Exome Variant Server 0.00008.

Submissions (3):

Ambry Genetics
Classification: Uncertain significance. Last evaluated: 2025-11-03. Review status: criteria provided, single submitter. Criteria: Ambry Variant Classification Scheme 2023. Collection method: clinical testing. Allele origin: germline.
Comment: The p.D102G variant (also known as c.305A>G), located in coding exon 1 of the MLH3 gene, results from an A to G substitution at nucleotide position 305. The aspartic acid at codon 102 is replaced by glycine, an amino acid with similar properties. This amino acid position is conserved. In addition, the in silico prediction for this alteration is inconclusive. Since supporting evidence is limited at this time, the clinical significance of this alteration remains unclear.

Labcorp Genetics (formerly Invitae), Labcorp
Classification: Uncertain significance for Colorectal cancer, hereditary nonpolyposis, type 7. Last evaluated: 2025-07-21. Review status: criteria provided, single submitter. Criteria: Invitae Variant Classification Sherloc (09022015). Collection method: clinical testing. Allele origin: germline.
Comment: This sequence change replaces aspartic acid, which is acidic and polar, with glycine, which is neutral and non-polar, at codon 102 of the MLH3 protein (p.Asp102Gly). This variant is present in population databases (rs375609512, gnomAD 0.002%). This variant has not been reported in the literature in individuals affected with MLH3-related conditions. ClinVar contains an entry for this variant (Variation ID: 1799330). An algorithm developed to predict the effect of missense changes on protein structure and function (PolyPhen-2) suggests that this variant is likely to be tolerated. In summary, the available evidence is currently insufficient to determine the role of this variant in disease. Therefore, it has been classified as a Variant of Uncertain Significance.

Center for Genomic Medicine, Rigshospitalet, Copenhagen University Hospital
Classification: Uncertain significance. Last evaluated: 2025-03-04. Review status: criteria provided, single submitter. Criteria: ACMG Guidelines, 2015. Collection method: clinical testing. Allele origin: germline.